The following is an entry in ClinVar:

ClinVar aggregate classification (germline): Uncertain significance (1 of 4 stars; one submission).

Conditions:
Retinoblastoma (RB1). Also called: RETINOBLASTOMA, SOMATIC. Identifiers: Orphanet 790, MedGen C0035335, MeSH D012175, MONDO:0008380, OMIM 180200, HP:0009919. Disease mechanism: loss of function. Inheritance: Both sporadic and heritable forms are tested..

gnomAD v4.1: 1 of 1,611,818 alleles (0.000062%); no homozygotes.

Submission:

Labcorp Genetics (formerly Invitae), Labcorp
Classification: Uncertain significance for Retinoblastoma. Last evaluated: 2024-03-27. Review status: criteria provided, single submitter. Criteria: Invitae Variant Classification Sherloc (09022015). Collection method: clinical testing. Allele origin: germline.
Comment: This sequence change replaces glutamic acid, which is acidic and polar, with glycine, which is neutral and non-polar, at codon 166 of the RB1 protein (p.Glu166Gly). This variant is not present in population databases (gnomAD no frequency). This variant has not been reported in the literature in individuals affected with RB1-related conditions. ClinVar contains an entry for this variant (Variation ID: 2066293). Advanced modeling of protein sequence and biophysical properties (such as structural, functional, and spatial information, amino acid conservation, physicochemical variation, residue mobility, and thermodynamic stability) performed at Invitae indicates that this missense variant is not expected to disrupt RB1 protein function with a negative predictive value of 80%. In summary, the available evidence is currently insufficient to determine the role of this variant in disease. Therefore, it has been classified as a Variant of Uncertain Significance.

NM_000321.3(RB1):c.497A>G (p.Glu166Gly)

Gene: RB1 (RB transcriptional corepressor 1; plus strand). Cytogenetic location: 13q14.2.
Variant type: single nucleotide variant.
Coding change: c.497A>G on transcript NM_000321.3 (MANE Select); coding-DNA position 497, A replaced by G.
Protein change: p.Glu166Gly; replaces glutamic acid 166 with glycine.
Molecular consequence: missense variant.
Genome position (GRCh38, 1-based): chr13:48,345,196, A>G. VCF-style: chr13-48345196-A-G. GRCh37 (hg19) VCF-style: chr13-48919332-A-G.
Other names: c.497A>G, p.Glu166Gly (NM_001407165.1, NM_001407166.1); short protein forms E166G.
Identifiers: ClinVar variation 2066293 (VCV002066293.4), dbSNP rs2542159581, ClinGen allele CA388252858.